The following is an entry in ClinVar:

NM_000057.4(BLM):c.1012T>G (p.Ser338Ala)

Gene: BLM (BLM RecQ like helicase; plus strand). Cytogenetic location: 15q26.1.
Variant type: single nucleotide variant.
Coding change: c.1012T>G on transcript NM_000057.4 (MANE Select); coding-DNA position 1012, T replaced by G.
Protein change: p.Ser338Ala; replaces serine 338 with alanine.
Molecular consequence: missense variant. On other transcripts: 5 prime UTR variant (1).
Genome position (GRCh38, 1-based): chr15:90,754,863, T>G. VCF-style: chr15-90754863-T-G. GRCh37 (hg19) VCF-style: chr15-91298093-T-G.
Other names: c.1012T>G, p.Ser338Ala (NM_001287246.2, NM_001287247.2); c.-280T>G (NM_001287248.2); short protein forms S338A.
Identifiers: ClinVar variation 1489050 (VCV001489050.5), dbSNP rs2151152195, ClinGen allele CA393842096.
Genomic context (GRCh38, chr15:90,754,863, plus strand): 5'-ATTTGCAGTACGTTAAAGGACCTTGACACCTCTGACAGAAAAGAGGATGTTCTTAGCACA[T>G]CAAAAGATCTTTTGTCAAAACCTGAGAAAATGAGTATGCAGGAGCTGAATCCAGAAACCA-3'
Protein context (NP_000048.1, residues 328-348): SDRKEDVLST[Ser338Ala]KDLLSKPEKM

ClinVar aggregate classification (germline): Uncertain significance (1 of 4 stars; one submission).

Conditions:
Bloom syndrome (BLM). Also called: Bloom-Torre-Machacek syndrome. Identifiers: Orphanet 125, MedGen C0005859, MONDO:0008876, OMIM 210900.

Submission:

Labcorp Genetics (formerly Invitae), Labcorp
Classification: Uncertain significance for Bloom syndrome. Last evaluated: 2021-08-24. Review status: criteria provided, single submitter. Criteria: Invitae Variant Classification Sherloc (09022015). Collection method: clinical testing. Allele origin: germline.
Comment: This sequence change replaces serine with alanine at codon 338 of the BLM protein (p.Ser338Ala). The serine residue is weakly conserved and there is a moderate physicochemical difference between serine and alanine. This variant is not present in population databases (ExAC no frequency). This variant has not been reported in the literature in individuals affected with BLM-related conditions. Algorithms developed to predict the effect of missense changes on protein structure and function output the following: SIFT: "Tolerated"; PolyPhen-2: "Benign"; Align-GVGD: "Class C0". The alanine amino acid residue is found in multiple mammalian species, which suggests that this missense change does not adversely affect protein function. Experimental studies have shown that this missense change does not substantially affect BLM function (PMID: 25794620). In summary, the available evidence is currently insufficient to determine the role of this variant in disease. Therefore, it has been classified as a Variant of Uncertain Significance.

Literature cited by the submitters: PubMed 25794620.